The following is an entry in ClinVar:

ClinVar aggregate classification (germline): Uncertain significance (1 of 4 stars; one submission).

Conditions:
Inborn genetic diseases. Identifiers: MedGen C0950123, MeSH D030342.

Submission:

Ambry Genetics
Classification: Uncertain significance for Inborn genetic diseases. Last evaluated: 2025-11-05. Review status: criteria provided, single submitter. Criteria: Ambry Variant Classification Scheme 2023. Collection method: clinical testing. Allele origin: germline.
Comment: The c.373A>G (p.M125V) alteration is located in exon 2 (coding exon 1) of the GJA1 gene. This alteration results from a A to G substitution at nucleotide position 373, causing the methionine (M) at amino acid position 125 to be replaced by a valine (V). Based on data from gnomAD, the G allele has an overall frequency of <0.001% (1/251482) total alleles studied. The highest observed frequency was 0.001% (1/113758) of European (non-Finnish) alleles. Based on insufficient or conflicting evidence, the clinical significance of this alteration remains unclear.

NM_000165.5(GJA1):c.373A>G (p.Met125Val)

Gene: GJA1 (gap junction protein alpha 1; plus strand). Cytogenetic location: 6q22.31.
Variant type: single nucleotide variant.
Coding change: c.373A>G on transcript NM_000165.5 (MANE Select); coding-DNA position 373, A replaced by G.
Protein change: p.Met125Val; replaces methionine 125 with valine.
Molecular consequence: missense variant.
Genome position (GRCh38, 1-based): chr6:121,447,220, A>G. VCF-style: chr6-121447220-A-G. GRCh37 (hg19) VCF-style: chr6-121768366-A-G.
Other names: short protein forms M125V.
Identifiers: ClinVar variation 4620800 (VCV004620800.1).